The following is an entry in ClinVar:

ClinVar aggregate classification (germline): Likely pathogenic (1 of 4 stars; one submission).

Conditions:
KMT2D-related disorder. Also called: KMT2D-Related Disorders.

gnomAD v4.1: 1 of 1,613,968 alleles (0.000062%); highest among the groups gnomAD compares: African/African-American, 0.0013%; no homozygotes.

Submission:

PreventionGenetics, part of Exact Sciences
Classification: Likely pathogenic for KMT2D-related condition. Last evaluated: 2025-02-01. Review status: criteria provided, single submitter. Criteria: ACMG Guidelines, 2015. Collection method: clinical testing. Allele origin: germline.
Comment: The KMT2D c.3637C>T variant is predicted to result in premature protein termination (p.Gln1213*). To our knowledge, this variant has not been reported in the literature. This variant is reported in 0.0065% of alleles in individuals of African descent in gnomAD. Nonsense variants in KMT2D are expected to be pathogenic. This variant is interpreted as likely pathogenic.

NM_003482.4(KMT2D):c.3637C>T (p.Gln1213Ter)

Genes: KMT2D (lysine methyltransferase 2D; minus strand), LOC126861520 (CDK7 strongly-dependent group 2 enhancer GRCh37_chr12:49442744-49443943; plus strand). Cytogenetic location: 12q13.12.
Variant type: single nucleotide variant.
Coding change: c.3637C>T on transcript NM_003482.4 (MANE Select); coding-DNA position 3637, C replaced by T.
Protein change: p.Gln1213Ter; replaces glutamine 1213 with a stop codon.
Molecular consequence: nonsense.
Genome position (GRCh38, 1-based): chr12:49,049,951, G>A on the plus strand (C>T on the coding strand, the complement: KMT2D is on the minus strand). VCF-style: chr12-49049951-G-A. GRCh37 (hg19) VCF-style: chr12-49443734-G-A.
Other names: short protein forms Q1213*.
Identifiers: ClinVar variation 4999558 (VCV004999558.1).